The following is an entry in ClinVar:

ClinVar aggregate classification (germline): Uncertain significance (1 of 4 stars; one submission).

Conditions:
HDAC4-related disorder. Also called: HDAC4-related condition.

Submission:

PreventionGenetics, part of Exact Sciences
Classification: Uncertain significance for HDAC4-related condition. Last evaluated: 2026-02-19. Review status: criteria provided, single submitter. Criteria: ACMG Guidelines, 2015. Collection method: clinical testing. Allele origin: germline.
Comment: The HDAC4 c.2081T>G variant is predicted to result in the amino acid substitution p.Leu694Arg. To our knowledge, this variant has not been reported in the literature or in a large population database (gnomAD), indicating this variant is rare. At this time, the clinical significance of this variant is uncertain due to the absence of conclusive functional and genetic evidence.

NM_001378414.1(HDAC4):c.2096T>G (p.Leu699Arg)

Gene: HDAC4 (histone deacetylase 4; minus strand). Cytogenetic location: 2q37.3.
Variant type: single nucleotide variant.
Coding change: c.2096T>G on transcript NM_001378414.1 (MANE Select); coding-DNA position 2096, T replaced by G.
Protein change: p.Leu699Arg; replaces leucine 699 with arginine.
Molecular consequence: missense variant.
Genome position (GRCh38, 1-based): chr2:239,108,066, A>C on the plus strand (T>G on the coding strand, the complement: HDAC4 is on the minus strand). VCF-style: chr2-239108066-A-C. GRCh37 (hg19) VCF-style: chr2-240029762-A-C.
Other names: c.2096T>G, p.Leu699Arg (NM_001378415.1); c.2081T>G, p.Leu694Arg (NM_001378416.1, NM_001378417.1, NM_001435996.1 and 1 more transcripts); c.2015T>G, p.Leu672Arg (NM_001435991.1, NM_001435992.1, NM_001435994.1); c.1937T>G, p.Leu646Arg (NM_001435993.1); c.2000T>G, p.Leu667Arg (NM_001435998.1); short protein forms L667R, L699R, L672R, L694R, L646R.
Identifiers: ClinVar variation 4983730 (VCV004983730.1).
Genomic context (GRCh38, chr2:239,108,066, plus strand): 5'-GGTGCCCAAAGCCGCAGCTGCCCACCTGCCCCGGTCGGCGTTACCTCGCATTTGCCCCGG[A>C]GGCCCGTCTCCTGCAGGCGGGACCAGATGCTCTGGATCCTCCCGGCGTGCTCGGGGTGGC-3'
Protein context (NP_001365343.1, residues 689-709): SIWSRLQETG[Leu699Arg]RGKCECIRGR